The following is an entry in ClinVar:

ClinVar aggregate classification (germline): Pathogenic (1 of 4 stars; one submission).

Submission:

Labcorp Genetics (formerly Invitae), Labcorp
Classification: Pathogenic. Last evaluated: 2022-07-20. Review status: criteria provided, single submitter. Criteria: Invitae Variant Classification Sherloc (09022015). Collection method: clinical testing. Allele origin: germline.
Comment: This sequence change creates a premature translational stop signal (p.Trp294*) in the ELP1 gene. It is expected to result in an absent or disrupted protein product. Loss-of-function variants in ELP1 are known to be pathogenic (PMID: 18303054, 24173031). This variant is not present in population databases (gnomAD no frequency). For these reasons, this variant has been classified as Pathogenic. This variant has not been reported in the literature in individuals affected with ELP1-related conditions.

Literature cited by the submitters: PubMed 18303054; PubMed 24173031.

NM_003640.5(ELP1):c.881G>A (p.Trp294Ter)

Gene: ELP1 (elongator acetyltransferase complex subunit 1; minus strand). Cytogenetic location: 9q31.3.
Variant type: single nucleotide variant.
Coding change: c.881G>A on transcript NM_003640.5 (MANE Select); coding-DNA position 881, G replaced by A.
Protein change: p.Trp294Ter; replaces tryptophan 294 with a stop codon.
Molecular consequence: nonsense. On other transcripts: 5 prime UTR variant (1).
Genome position (GRCh38, 1-based): chr9:108,916,281, C>T on the plus strand (G>A on the coding strand, the complement: ELP1 is on the minus strand). VCF-style: chr9-108916281-C-T. GRCh37 (hg19) VCF-style: chr9-111678561-C-T.
Other names: c.539G>A, p.Trp180Ter (NM_001318360.2); c.-167G>A (NM_001330749.2); short protein forms W180*, W294*.
Identifiers: ClinVar variation 2018468 (VCV002018468.4), dbSNP rs2537936557, ClinGen allele CA374385458.